The following is an entry in ClinVar:

NM_006846.4(SPINK5):c.2358C>T (p.Leu786=)

Gene: SPINK5 (serine peptidase inhibitor Kazal type 5; plus strand). Cytogenetic location: 5q32.
Variant type: single nucleotide variant.
Coding change: c.2358C>T on transcript NM_006846.4 (MANE Select); coding-DNA position 2358, C replaced by T.
Protein change: p.Leu786=; no amino-acid change (leucine 786 retained).
Molecular consequence: synonymous variant.
Genome position (GRCh38, 1-based): chr5:148,120,053, C>T. VCF-style: chr5-148120053-C-T. GRCh37 (hg19) VCF-style: chr5-147499616-C-T.
Other names: p.Leu786=; c.2358C>T, p.Leu786= (NM_001127698.2, NM_001127699.2).
Identifiers: ClinVar variation 260050 (VCV000260050.26), dbSNP rs17704908, ClinGen allele CA3495967.

ClinVar aggregate classification (germline): Benign/Likely benign. Review status: criteria provided, multiple submitters, no conflicts (2 of 4 stars). 10 submissions from 10 submitters: Benign (9); Likely benign (1). Last evaluated 2026-02-04.

Conditions:
Netherton syndrome (NETH). Also called: NETHERTON DISEASE; ERYTHRODERMA, ICHTHYOSIFORM, WITH HYPOTRICHOSIS AND HYPER-IgE; COMEL-NETHERTON SYNDROME. Identifiers: Orphanet 634, MedGen C5574950, MONDO:0009735, OMIM 256500.
Ichthyosis linearis circumflexa. Identifiers: MedGen C0265962, MONDO:0043106, HP:0025810.

Allele frequency attached by ClinVar (database versions not stated): 1000 Genomes Project 0.48742; 1000 Genomes Project 30x 0.48829; TOPMed 0.53617; ESP Exome Variant Server 0.54014; gnomAD 0.54150 and 0.54197; ExAC 0.58287; gnomAD exomes 0.59344 and 0.60744.
gnomAD v4.1: 968,424 of 1,612,812 alleles (60%); highest among the groups gnomAD compares: Admixed American, 70%; 295,898 homozygotes.

Submissions (10):

Labcorp Genetics (formerly Invitae), Labcorp
Classification: Benign for Ichthyosis linearis circumflexa. Last evaluated: 2026-02-04. Review status: criteria provided, single submitter. Criteria: Invitae Variant Classification Sherloc (09022015). Collection method: clinical testing. Allele origin: germline.

Women's Health and Genetics/Laboratory Corporation of America, LabCorp
Classification: Benign. Last evaluated: 2026-01-08. Review status: criteria provided, single submitter. Criteria: LabCorp Variant Classification Summary - May 2015. Collection method: clinical testing. Allele origin: germline.

Blueprint Genetics
Classification: Likely benign. Last evaluated: 2024-11-26. Review status: criteria provided, single submitter. Criteria: ACMG Guidelines, 2015. Collection method: clinical testing. Allele origin: germline.

Unidad de Genómica Garrahan, Hospital de Pediatría Garrahan
Classification: Benign. Last evaluated: 2024-01-24. Review status: criteria provided, single submitter. Criteria: ACMG Guidelines, 2015. Collection method: clinical testing. Allele origin: germline. Affected: no. Observed: 80 variant alleles.
Comment: This variant is classified as Benign based on local population frequency. This variant was detected in 91% of patients studied by a panel of primary immunodeficiencies. Number of patients: 80. Only high quality variants are reported.

Genome-Nilou Lab
Classification: Benign for Netherton syndrome. Last evaluated: 2021-07-15. Review status: criteria provided, single submitter. Criteria: ACMG Guidelines, 2015. Collection method: clinical testing. Allele origin: germline. Affected: no.

Mayo Clinic Laboratories, Mayo Clinic
Classification: Benign. Last evaluated: 2018-06-05. Review status: criteria provided, single submitter. Criteria: ACMG Guidelines, 2015. Collection method: clinical testing. Allele origin: germline. Observed: 108 variant alleles.

Illumina Laboratory Services, Illumina
Classification: Benign for Netherton syndrome. Last evaluated: 2018-01-13. Review status: criteria provided, single submitter. Criteria: ICSL Variant Classification Criteria 13 December 2019. Collection method: clinical testing. Allele origin: germline.
Comment: This variant was observed in the ICSL laboratory as part of a predisposition screen in an ostensibly healthy population. It had not been previously curated by ICSL or reported in the Human Gene Mutation Database (HGMD: prior to June 1st, 2018), and was therefore a candidate for classification through an automated scoring system. Utilizing variant allele frequency, disease prevalence and penetrance estimates, and inheritance mode, an automated score was calculated to assess if this variant is too frequent to cause the disease. Based on the score and internal cut-off values, a variant classified as benign is not then subjected to further curation. The score for this variant resulted in a classification of benign for this disease.

Laboratory for Molecular Medicine, Mass General Brigham Personalized Medicine
Classification: Benign. Last evaluated: 2016-03-28. Review status: criteria provided, single submitter. Criteria: LMM Criteria. Collection method: clinical testing. Allele origin: germline.
Comment: Variant identified in a genome or exome case(s) and assessed due to predicted null impact of the variant or pathogenic assertions in the literature or databases. Disclaimer: This variant has not undergone full assessment. The following are preliminary notes: Frequency

GeneDx
Classification: Benign. Last evaluated: 2015-03-03. Review status: criteria provided, single submitter. Criteria: GeneDx Variant Classification Process June 2021. Collection method: clinical testing. Allele origin: germline. Affected: yes.

PreventionGenetics, part of Exact Sciences
Classification: Benign. Review status: criteria provided, single submitter. Criteria: ACMG Guidelines, 2015. Collection method: clinical testing. Allele origin: germline.